The following is an entry in ClinVar:

ClinVar aggregate classification (germline): Likely benign. Review status: criteria provided, multiple submitters, no conflicts (2 of 4 stars). 2 submissions from 2 submitters: Likely benign (2). Last evaluated 2025-10-01.

Allele frequency attached by ClinVar (database versions not stated): gnomAD exomes 0.00002; ExAC 0.00008; gnomAD 0.00023; TOPMed 0.00029; ESP Exome Variant Server 0.00039.
gnomAD v4.1: 69 of 1,590,476 alleles (0.0043%); highest among the groups gnomAD compares: African/African-American, 0.085%; no homozygotes.

Submissions (2):

CeGaT Center for Human Genetics Tuebingen
Classification: Likely benign. Last evaluated: 2025-10-01. Review status: criteria provided, single submitter. Criteria: CeGaT Center For Human Genetics Tuebingen Variant Classification Criteria Version 2. Collection method: clinical testing. Allele origin: germline. Affected: yes. Observed: 1 variant allele.
Comment: TERF2IP: BP4, BP7

Labcorp Genetics (formerly Invitae), Labcorp
Classification: Likely benign. Last evaluated: 2025-08-09. Review status: criteria provided, single submitter. Criteria: Invitae Variant Classification Sherloc (09022015). Collection method: clinical testing. Allele origin: germline.

NM_018975.4(TERF2IP):c.1197A>G (p.Lys399=)

Gene: TERF2IP (TERF2 interacting protein; plus strand). Cytogenetic location: 16q23.1.
Variant type: single nucleotide variant.
Coding change: c.1197A>G on transcript NM_018975.4 (MANE Select); coding-DNA position 1197, A replaced by G.
Protein change: p.Lys399=; no amino-acid change (lysine 399 retained).
Molecular consequence: synonymous variant. On other transcripts: non-coding transcript variant (1).
Genome position (GRCh38, 1-based): chr16:75,656,608, A>G. VCF-style: chr16-75656608-A-G. GRCh37 (hg19) VCF-style: chr16-75690506-A-G.
Identifiers: ClinVar variation 2890508 (VCV002890508.9), dbSNP rs141449184, ClinGen allele CA8178184.